The following is an entry in ClinVar:

ClinVar aggregate classification (germline): Uncertain significance (1 of 4 stars; one submission).

Allele frequency attached by ClinVar (database versions not stated): TOPMed below 0.00001; gnomAD 0.00001.
gnomAD v4.1: 1 of 1,612,172 alleles (0.000062%); highest among the groups gnomAD compares: East Asian, 0.0022%; no homozygotes.

Submission:

Labcorp Genetics (formerly Invitae), Labcorp
Classification: Uncertain significance. Last evaluated: 2021-08-18. Review status: criteria provided, single submitter. Criteria: Invitae Variant Classification Sherloc (09022015). Collection method: clinical testing. Allele origin: germline.
Comment: This sequence change replaces aspartic acid with asparagine at codon 1747 of the USH2A protein (p.Asp1747Asn). The aspartic acid residue is highly conserved and there is a small physicochemical difference between aspartic acid and asparagine. In summary, the available evidence is currently insufficient to determine the role of this variant in disease. Therefore, it has been classified as a Variant of Uncertain Significance. Algorithms developed to predict the effect of missense changes on protein structure and function output the following: SIFT: "Deleterious"; PolyPhen-2: "Benign"; Align-GVGD: "Class C15". The asparagine amino acid residue is found in multiple mammalian species, which suggests that this missense change does not adversely affect protein function. This variant has not been reported in the literature in individuals affected with USH2A-related conditions. This variant is not present in population databases (ExAC no frequency).

NM_206933.4(USH2A):c.5239G>A (p.Asp1747Asn)

Genes: USH2A (usherin; minus strand), USH2A-AS2 (USH2A antisense RNA 2; plus strand). Cytogenetic location: 1q41.
Variant type: single nucleotide variant.
Coding change: c.5239G>A on transcript NM_206933.4 (MANE Select); coding-DNA position 5239, G replaced by A.
Protein change: p.Asp1747Asn; replaces aspartic acid 1747 with asparagine.
Molecular consequence: missense variant.
Genome position (GRCh38, 1-based): chr1:216,083,515, C>T on the plus strand (G>A on the coding strand, the complement: USH2A is on the minus strand). VCF-style: chr1-216083515-C-T. GRCh37 (hg19) VCF-style: chr1-216256857-C-T.
Other names: short protein forms D1747N.
Identifiers: ClinVar variation 1375991 (VCV001375991.6), dbSNP rs1174148752, ClinGen allele CA344857986.